The following is an entry in ClinVar:

ClinVar aggregate classification (germline): Uncertain significance (1 of 4 stars; one submission).

Conditions:
Cardiovascular phenotype. Identifiers: MedGen CN230736.

gnomAD v4.1: 1 of 1,612,422 alleles (0.000062%); highest among the groups gnomAD compares: African/African-American, 0.0013%; no homozygotes.

Submission:

Ambry Genetics
Classification: Uncertain significance for Cardiovascular phenotype. Last evaluated: 2026-08-24. Review status: criteria provided, single submitter. Criteria: Ambry Variant Classification Scheme 2023. Collection method: clinical testing. Allele origin: germline.
Comment: The p.R158L variant (also known as c.473G>T), located in coding exon 4 of the GPIHBP1 gene, results from a G to T substitution at nucleotide position 473. The arginine at codon 158 is replaced by leucine, an amino acid with dissimilar properties. This amino acid position is conserved. In addition, this alteration is predicted to be tolerated by in silico analysis. Based on the available evidence, the clinical significance of this variant remains unclear.

NM_178172.6(GPIHBP1):c.473G>T (p.Arg158Leu)

Gene: GPIHBP1 (glycosylphosphatidylinositol anchored high density lipoprotein binding protein 1; plus strand). Cytogenetic location: 8q24.3.
Variant type: single nucleotide variant.
Coding change: c.473G>T on transcript NM_178172.6 (MANE Select); coding-DNA position 473, G replaced by T.
Protein change: p.Arg158Leu; replaces arginine 158 with leucine.
Molecular consequence: missense variant. On other transcripts: intron variant (1).
Genome position (GRCh38, 1-based): chr8:143,215,436, G>T. VCF-style: chr8-143215436-G-T. GRCh37 (hg19) VCF-style: chr8-144297311-G-T.
Other names: c.375+98G>T (NM_001301772.2); short protein forms R158L.
Identifiers: ClinVar variation 5022495 (VCV005022495.1).